The following is an entry in ClinVar:

NM_025103.4(IFT74):c.1204C>G (p.Arg402Gly)

Gene: IFT74 (intraflagellar transport 74; plus strand). Cytogenetic location: 9p21.2.
Variant type: single nucleotide variant.
Coding change: c.1204C>G on transcript NM_025103.4 (MANE Select); coding-DNA position 1204, C replaced by G.
Protein change: p.Arg402Gly; replaces arginine 402 with glycine.
Molecular consequence: missense variant.
Genome position (GRCh38, 1-based): chr9:27,047,369, C>G. VCF-style: chr9-27047369-C-G. GRCh37 (hg19) VCF-style: chr9-27047367-C-G.
Other names: c.1204C>G (NM_001099222.1, NM_025103.2); c.1204C>G, p.Arg402Gly (NM_001099222.3, NM_001099223.3, NM_001349928.2); short protein forms R402G.
Identifiers: ClinVar variation 2051008 (VCV002051008.5), dbSNP rs372505229, ClinGen allele CA5015589.

ClinVar aggregate classification (germline): Uncertain significance. Review status: criteria provided, multiple submitters, no conflicts (2 of 4 stars). 3 submissions from 3 submitters: Uncertain significance (3). Last evaluated 2026-05-14.

Conditions:
IFT74-related disorder. Also called: IFT74-related condition; IFT74-Related Disorders.
Inborn genetic diseases. Identifiers: MedGen C0950123, MeSH D030342.

gnomAD v4.1: 72 of 1,589,626 alleles (0.0045%); highest among the groups gnomAD compares: Non-Finnish European, 0.006%; no homozygotes.

Submissions (3):

PreventionGenetics, part of Exact Sciences
Classification: Uncertain significance for IFT74-related condition. Last evaluated: 2026-05-14. Review status: criteria provided, single submitter. Criteria: ACMG Guidelines, 2015. Collection method: clinical testing. Allele origin: germline.
Comment: The IFT74 c.1204C>G variant is predicted to result in the amino acid substitution p.Arg402Gly. To our knowledge, this variant has not been reported in the literature. This variant is reported in 0.0040% of alleles in individuals of European (Non-Finnish) descent in gnomAD. At this time, the clinical significance of this variant is uncertain due to the absence of conclusive functional and genetic evidence.

Ambry Genetics
Classification: Uncertain significance for Inborn genetic diseases. Last evaluated: 2023-01-06. Review status: criteria provided, single submitter. Criteria: Ambry Variant Classification Scheme 2023. Collection method: clinical testing. Allele origin: germline.

Labcorp Genetics (formerly Invitae), Labcorp
Classification: Uncertain significance. Last evaluated: 2022-03-15. Review status: criteria provided, single submitter. Criteria: Invitae Variant Classification Sherloc (09022015). Collection method: clinical testing. Allele origin: germline.
Comment: This sequence change replaces arginine, which is basic and polar, with glycine, which is neutral and non-polar, at codon 402 of the IFT74 protein (p.Arg402Gly). This variant is present in population databases (rs372505229, gnomAD 0.003%). This variant has not been reported in the literature in individuals affected with IFT74-related conditions. Algorithms developed to predict the effect of missense changes on protein structure and function are either unavailable or do not agree on the potential impact of this missense change (SIFT: "Tolerated"; PolyPhen-2: "Possibly Damaging"; Align-GVGD: "Class C0"). In summary, the available evidence is currently insufficient to determine the role of this variant in disease. Therefore, it has been classified as a Variant of Uncertain Significance.